The following is an entry in ClinVar:

ClinVar aggregate classification (germline): Likely benign (1 of 4 stars; one submission).

Conditions:
Familial hypercholesterolemia. Also called: Familial hypercholesterolaemia. Identifiers: MedGen C0020445, MONDO:0005439.

Submission:

GENinCode PLC
Classification: Likely benign for Familial hypercholesterolemia. Last evaluated: 2025-05-21. Review status: criteria provided, single submitter. Criteria: ACMG Guidelines, 2015. Collection method: clinical testing. Allele origin: germline.
Comment: This is a synonymous (silent) variant that is not predicted to impact splicing and occurs at a nucleotide which is not highly conserved. This variant has been classified as Likely Benign (BP4, BP7).

NM_000384.3(APOB):c.4605A>T (p.Gly1535=)

Gene: APOB (apolipoprotein B; minus strand). Cytogenetic location: 2p24.1.
Variant type: single nucleotide variant.
Coding change: c.4605A>T on transcript NM_000384.3 (MANE Select); coding-DNA position 4605, A replaced by T.
Protein change: p.Gly1535=; no amino-acid change (glycine 1535 retained).
Molecular consequence: synonymous variant.
Genome position (GRCh38, 1-based): chr2:21,012,263, T>A on the plus strand (A>T on the coding strand, the complement: APOB is on the minus strand). VCF-style: chr2-21012263-T-A. GRCh37 (hg19) VCF-style: chr2-21235135-T-A.
Identifiers: ClinVar variation 4076994 (VCV004076994.1).